The following is an entry in ClinVar:

NM_145728.3(SYNM):c.1385G>A (p.Gly462Asp)

Gene: SYNM (synemin; plus strand). Cytogenetic location: 15q26.3.
Variant type: single nucleotide variant.
Coding change: c.1385G>A on transcript NM_145728.3 (MANE Select); coding-DNA position 1385, G replaced by A.
Protein change: p.Gly462Asp; replaces glycine 462 with aspartic acid.
Molecular consequence: missense variant.
Genome position (GRCh38, 1-based): chr15:99,129,745, G>A. VCF-style: chr15-99129745-G-A. GRCh37 (hg19) VCF-style: chr15-99669950-G-A.
Other names: c.1385G>A, p.Gly462Asp (NM_015286.6); short protein forms G462D.
Identifiers: ClinVar variation 3025834 (VCV003025834.22), dbSNP rs781892287, ClinGen allele CA7753516.

ClinVar aggregate classification (germline): Likely benign (1 of 4 stars; one submission).

Allele frequency attached by ClinVar (database versions not stated): gnomAD 0.00001; gnomAD exomes 0.00001; ExAC 0.00003.
gnomAD v4.1: 18 of 1,613,552 alleles (0.0011%); highest among the groups gnomAD compares: South Asian, 0.02%; no homozygotes.

Submission:

CeGaT Center for Human Genetics Tuebingen
Classification: Likely benign. Last evaluated: 2024-02-01. Review status: criteria provided, single submitter. Criteria: CeGaT Center For Human Genetics Tuebingen Variant Classification Criteria Version 2. Collection method: clinical testing. Allele origin: germline. Affected: yes. Observed: 1 variant allele.
Comment: SYNM: BP4